The following is an entry in ClinVar:

ClinVar aggregate classification (germline): Uncertain significance (1 of 4 stars; one submission).

Submission:

GeneDx
Classification: Uncertain significance. Last evaluated: 2025-03-11. Review status: criteria provided, single submitter. Criteria: GeneDx Variant Classification Process June 2021. Collection method: clinical testing. Allele origin: germline. Affected: yes.
Comment: Not observed at significant frequency in large population cohorts (gnomAD); In silico analysis indicates that this missense variant does not alter protein structure/function; Has not been previously published as pathogenic or benign to our knowledge

NM_001008537.3(NEXMIF):c.1502G>C (p.Gly501Ala)

Gene: NEXMIF (neurite extension and migration factor; minus strand). Cytogenetic location: Xq13.3.
Variant type: single nucleotide variant.
Coding change: c.1502G>C on transcript NM_001008537.3 (MANE Select); coding-DNA position 1502, G replaced by C.
Protein change: p.Gly501Ala; replaces glycine 501 with alanine.
Molecular consequence: missense variant.
Genome position (GRCh38, 1-based): chrX:74,743,055, C>G on the plus strand (G>C on the coding strand, the complement: NEXMIF is on the minus strand). VCF-style: chrX-74743055-C-G. GRCh37 (hg19) VCF-style: chrX-73962890-C-G.
Other names: short protein forms G501A.
Identifiers: ClinVar variation 4083152 (VCV004083152.1).
Genomic context (GRCh38, chrX:74,743,055, plus strand): 5'-TCATCATCTTCCTCTTTGGAACCAACTGGCAGCCATTCCTTCCTCTCATTTACTTTTTCA[C>G]CCTCTAGTGAGTCAACATCATATAGATAATCTTCACTGTATCTGACTTTTCTCTTGGCTC-3'
Protein context (NP_001008537.1, residues 491-511): DYLYDVDSLE[Gly501Ala]EKVNERKEWL